The following is an entry in ClinVar:

NM_001114753.3(ENG):c.-174A>G

Gene: ENG (endoglin; minus strand). Cytogenetic location: 9q34.11.
Variant type: single nucleotide variant.
Coding change: c.-174A>G on transcript NM_001114753.3 (MANE Select); 174 bases upstream of the start codon, A replaced by G.
Molecular consequence: 5 prime UTR variant.
Genome position (GRCh38, 1-based): chr9:127,854,529, T>C on the plus strand (A>G on the coding strand, the complement: ENG is on the minus strand). VCF-style: chr9-127854529-T-C. GRCh37 (hg19) VCF-style: chr9-130616808-T-C.
Other names: c.-174A>G (NM_000118.4, NM_001406715.1).
Identifiers: ClinVar variation 3672304 (VCV003672304.2).

ClinVar aggregate classification (germline): Uncertain significance (1 of 4 stars; one submission).

Conditions:
Hereditary hemorrhagic telangiectasia (HHT). Also called: ORW DISEASE; Osler Weber Rendu syndrome; OSLER-RENDU-WEBER DISEASE; Osler hemorrhagic telangiectasia syndrome. Identifiers: Orphanet 774, MedGen C0039445, MONDO:0019180. Disease mechanism: loss of function.

Submission:

Labcorp Genetics (formerly Invitae), Labcorp
Classification: Uncertain significance for Hereditary hemorrhagic telangiectasia. Last evaluated: 2024-04-06. Review status: criteria provided, single submitter. Criteria: Invitae Variant Classification Sherloc (09022015). Collection method: clinical testing. Allele origin: germline.
Comment: This variant occurs in a non-coding region of the ENG gene. It does not change the encoded amino acid sequence of the ENG protein. This variant is not present in population databases (gnomAD no frequency). This variant has not been reported in the literature in individuals affected with ENG-related conditions. In summary, the available evidence is currently insufficient to determine the role of this variant in disease. Therefore, it has been classified as a Variant of Uncertain Significance.